The following is an entry in ClinVar:

NM_000975.5(RPL11):c.479AGG[1] (p.Glu161del)

Gene: RPL11 (ribosomal protein L11; plus strand). Cytogenetic location: 1p36.11.
Variant type: Microsatellite.
Coding change: c.479AGG[1] on transcript NM_000975.5 (MANE Select); one copy of the 3-base unit AGG starting at c.479; the reference has two copies in a row; one copy, 3 bases deleted.
Protein change: p.Glu161del; deletes glutamic acid 161.
Molecular consequence: inframe deletion.
Genome position (GRCh38, 1-based): chr1:23,695,883-23,695,885, AGG deleted; deleting any 3 consecutive bases within chr1:23,695,879-23,695,885 gives the same sequence; the position shown is the placement nearest the transcript's 3' end. VCF-style (leftmost placement, unchanged base first): chr1-23695878-AGAG-A. GRCh37 (hg19) VCF-style: chr1-24022368-AGAG-A.
Other names: c.476AGG[1], p.Glu160del (NM_001199802.1); short protein forms E160del, E161del.
Identifiers: ClinVar variation 5753 (VCV000005753.4), dbSNP rs1570569083, ClinGen allele CA913185052.

ClinVar aggregate classification (germline): Uncertain significance. Review status: criteria provided, single submitter (1 of 4 stars). 2 submissions from 2 submitters: Uncertain significance (1). 1 of the submissions does not count toward it. Last evaluated 2024-09-11.

Conditions:
Diamond-Blackfan anemia 7 (DBA7). Also called: RPL11-Related Diamond-Blackfan Anemia. Identifiers: Orphanet 124, MedGen C2675512, MONDO:0012938, OMIM 612562.
Diamond-Blackfan anemia. Also called: Blackfan Diamond syndrome; Aregenerative anemia chronic congenital; Red cell aplasia, pure hereditary; Congenital hypoplastic anemia; Aase syndrome. Identifiers: Orphanet 124, MedGen C1260899, MeSH D029503, MONDO:0015253, HP:0004810.

Submissions (2):

Labcorp Genetics (formerly Invitae), Labcorp
Classification: Uncertain significance for Diamond-Blackfan anemia. Last evaluated: 2024-09-11. Review status: criteria provided, single submitter. Criteria: Invitae Variant Classification Sherloc (09022015). Collection method: clinical testing. Allele origin: germline.
Comment: This variant, c.482_484del, results in the deletion of 1 amino acid(s) of the RPL11 protein (p.Glu161del), but otherwise preserves the integrity of the reading frame. This variant is not present in population databases (gnomAD no frequency). This variant has been observed in individual(s) with Diamond-Blackfan anemia (PMID: 19061985). ClinVar contains an entry for this variant (Variation ID: 5753). Experimental studies and prediction algorithms are not available or were not evaluated, and the functional significance of this variant is currently unknown. In summary, the available evidence is currently insufficient to determine the role of this variant in disease. Therefore, it has been classified as a Variant of Uncertain Significance.

OMIM
Classification: Pathogenic for DIAMOND-BLACKFAN ANEMIA 7. Last evaluated: 2008-12-01. Review status: no assertion criteria provided. Collection method: literature only. Allele origin: germline. Not counted in ClinVar's aggregate classification.

Literature cited by the submitters: PubMed 19061985 (cited by Labcorp Genetics (formerly Invitae), Labcorp and OMIM).